The following is an entry in ClinVar:

NM_001167.4(XIAP):c.518G>A (p.Trp173Ter)

Gene: XIAP (X-linked inhibitor of apoptosis; plus strand). Cytogenetic location: Xq25.
Variant type: single nucleotide variant.
Coding change: c.518G>A on transcript NM_001167.4 (MANE Select); coding-DNA position 518, G replaced by A.
Protein change: p.Trp173Ter; replaces tryptophan 173 with a stop codon.
Molecular consequence: nonsense.
Genome position (GRCh38, 1-based): chrX:123,886,180, G>A. VCF-style: chrX-123886180-G-A. GRCh37 (hg19) VCF-style: chrX-123020030-G-A.
Other names: c.518G>A, p.Trp173Ter (NM_001204401.2, NM_001378590.1, NM_001378591.1 and 1 more transcripts); short protein forms W173*.
Identifiers: ClinVar variation 4728379 (VCV004728379.1).

ClinVar aggregate classification (germline): Pathogenic (1 of 4 stars; one submission).

Conditions:
X-linked lymphoproliferative disease due to XIAP deficiency. Also called: XIAP DEFICIENCY; XIAP-Related Lymphoproliferative Disease, X-Linked. Identifiers: Orphanet 2442, Orphanet 538934, MedGen C1845076, MONDO:0010385, OMIM 300635.

Submission:

Labcorp Genetics (formerly Invitae), Labcorp
Classification: Pathogenic for X-linked lymphoproliferative disease due to XIAP deficiency. Last evaluated: 2025-10-08. Review status: criteria provided, single submitter. Criteria: Invitae Variant Classification Sherloc (09022015). Collection method: clinical testing. Allele origin: germline.
Comment: This sequence change creates a premature translational stop signal (p.Trp173*) in the XIAP gene. It is expected to result in an absent or disrupted protein product. Loss-of-function variants in XIAP are known to be pathogenic (PMID: 17080092, 21119115, 25666262). This variant is not present in population databases (gnomAD no frequency). This variant has not been reported in the literature in individuals affected with XIAP-related conditions. For these reasons, this variant has been classified as Pathogenic.

Literature cited by the submitters: PubMed 17080092; PubMed 21119115; PubMed 25666262.